The following is an entry in ClinVar:

NM_053025.4(MYLK):c.62C>A (p.Pro21His)

Gene: MYLK (myosin light chain kinase; minus strand). Cytogenetic location: 3q21.1.
Variant type: single nucleotide variant.
Coding change: c.62C>A on transcript NM_053025.4 (MANE Select); coding-DNA position 62, C replaced by A.
Protein change: p.Pro21His; replaces proline 21 with histidine.
Molecular consequence: missense variant. On other transcripts: 5 prime UTR variant (1).
Genome position (GRCh38, 1-based): chr3:123,793,780, G>T on the plus strand (C>A on the coding strand, the complement: MYLK is on the minus strand). VCF-style: chr3-123793780-G-T. GRCh37 (hg19) VCF-style: chr3-123512627-G-T.
Other names: c.-259C>A (NM_001321309.2); c.62C>A, p.Pro21His (NM_053026.4, NM_053027.4, NM_053028.4); short protein forms P21H.
Identifiers: ClinVar variation 226773 (VCV000226773.43), dbSNP rs28497577, ClinGen allele CA073389.

ClinVar aggregate classification (germline): Benign/Likely benign. Review status: criteria provided, multiple submitters, no conflicts (2 of 4 stars). 14 submissions from 14 submitters: Benign (10); Likely benign (2). 2 of the submissions do not count toward it. Last evaluated 2026-02-04.

Conditions:
Familial thoracic aortic aneurysm and aortic dissection (TAAD). Also called: Thoracic aortic aneurysms and dissections. Identifiers: Orphanet 91387, MedGen C4707243, MONDO:0019625.
Aortic aneurysm, familial thoracic 7 (AAT7). Also called: AORTIC DISSECTION, FAMILIAL, WITH OR WITHOUT AORTIC ANEURYSM. Identifiers: MedGen C3151077, MONDO:0013418, OMIM 613780.

Allele frequency attached by ClinVar (database versions not stated): gnomAD exomes 0.11824; ExAC 0.12628; gnomAD 0.17059 and 0.17349; TOPMed 0.18081; ESP Exome Variant Server 0.18491; 1000 Genomes Project 0.19728; 1000 Genomes Project 30x 0.20191.
gnomAD v4.1: 175,942 of 1,613,450 alleles (11%); highest among the groups gnomAD compares: African/African-American, 38%; 13,562 homozygotes.

Submissions (14):

Labcorp Genetics (formerly Invitae), Labcorp
Classification: Benign for Aortic aneurysm, familial thoracic 7. Last evaluated: 2026-02-04. Review status: criteria provided, single submitter. Criteria: Invitae Variant Classification Sherloc (09022015). Collection method: clinical testing. Allele origin: germline.

ARUP Laboratories, Molecular Genetics and Genomics, ARUP Laboratories
Classification: Benign. Last evaluated: 2025-07-22. Review status: criteria provided, single submitter. Criteria: ARUP Molecular Germline Variant Investigation Process 2024. Collection method: clinical testing. Allele origin: germline.

Molecular Diagnostic Laboratory for Inherited Cardiovascular Disease, Montreal Heart Institute
Classification: Benign. Last evaluated: 2025-04-09. Review status: criteria provided, single submitter. Criteria: ACMG Guidelines, 2015. Collection method: clinical testing. Allele origin: germline. Affected: no.
Comment: BA1

Blueprint Genetics
Classification: Benign. Last evaluated: 2024-11-26. Review status: criteria provided, single submitter. Criteria: ACMG Guidelines, 2015. Collection method: clinical testing. Allele origin: germline.

Women's Health and Genetics/Laboratory Corporation of America, LabCorp
Classification: Likely benign. Last evaluated: 2020-08-24. Review status: criteria provided, single submitter. Criteria: LabCorp Variant Classification Summary - May 2015. Collection method: clinical testing. Allele origin: germline.

Illumina Laboratory Services, Illumina
Classification: Benign for Aortic aneurysm, familial thoracic 7. Last evaluated: 2018-03-06. Review status: criteria provided, single submitter. Criteria: ICSL Variant Classification Criteria 13 December 2019. Collection method: clinical testing. Allele origin: germline.
Comment: This variant was observed in the ICSL laboratory as part of a predisposition screen in an ostensibly healthy population. It had not been previously curated by ICSL or reported in the Human Gene Mutation Database (HGMD: prior to June 1st, 2018), and was therefore a candidate for classification through an automated scoring system. Utilizing variant allele frequency, disease prevalence and penetrance estimates, and inheritance mode, an automated score was calculated to assess if this variant is too frequent to cause the disease. Based on the score and internal cut-off values, a variant classified as benign is not then subjected to further curation. The score for this variant resulted in a classification of benign for this disease.

GeneDx
Classification: Benign. Last evaluated: 2016-09-27. Review status: criteria provided, single submitter. Criteria: GeneDx Variant Classification (06012015). Collection method: clinical testing. Allele origin: germline. Affected: yes.
Comment: This variant is considered likely benign or benign based on one or more of the following criteria: it is a conservative change, it occurs at a poorly conserved position in the protein, it is predicted to be benign by multiple in silico algorithms, and/or has population frequency not consistent with disease.

Ambry Genetics
Classification: Benign for Familial thoracic aortic aneurysm and aortic dissection. Last evaluated: 2015-01-29. Review status: criteria provided, single submitter. Criteria: Ambry Variant Classification Scheme 2023. Collection method: clinical testing. Allele origin: germline.

Laboratory for Molecular Medicine, Mass General Brigham Personalized Medicine
Classification: Benign. Last evaluated: 2014-12-02. Review status: criteria provided, single submitter. Criteria: LMM Criteria. Collection method: clinical testing. Allele origin: germline. Observed: 9 variant alleles.
Comment: c.62C>A (p.Pro21His) in exon 4 of MYLK: This variant is not expected to have cli nical significance because it does not alter an amino acid residue and is not lo cated within the splice consensus sequence. It has been identified in 9% (807/86 00) of European American chromosomes and 36% (1598/4406) of African American chr omosomes by the NHLBI Exome Sequencing Project (dbSNP rs28497577).

Mayo Clinic Laboratories, Mayo Clinic
Classification: Benign. Last evaluated: 2014-02-05. Review status: criteria provided, single submitter. Criteria: ACMG Guidelines, 2015. Collection method: clinical testing. Allele origin: germline. Observed: 312 variant alleles.

Breakthrough Genomics
Classification: Likely benign. Review status: criteria provided, single submitter. Criteria: ACMG Guidelines, 2015. Collection method: not provided. Allele origin: germline. Inheritance: Autosomal recessive inheritance. Affected: yes.

PreventionGenetics, part of Exact Sciences
Classification: Benign. Review status: criteria provided, single submitter. Criteria: ACMG Guidelines, 2015. Collection method: clinical testing. Allele origin: germline.

Clinical Genetics DNA and cytogenetics Diagnostics Lab, Erasmus MC, Erasmus Medical Center
Classification: Benign. Review status: no assertion criteria provided. Collection method: clinical testing. Allele origin: germline. Affected: yes. Study: VKGL Data-share Consensus. Not counted in ClinVar's aggregate classification.

Genome Diagnostics Laboratory, Amsterdam University Medical Center
Classification: Benign. Review status: no assertion criteria provided. Collection method: clinical testing. Allele origin: germline. Affected: yes. Study: VKGL Data-share Consensus. Not counted in ClinVar's aggregate classification.